The following is an entry in ClinVar:

NM_004304.5(ALK):c.2159T>A (p.Leu720Gln)

Gene: ALK (ALK receptor tyrosine kinase; minus strand). Cytogenetic location: 2p23.2.
Variant type: single nucleotide variant.
Coding change: c.2159T>A on transcript NM_004304.5 (MANE Select); coding-DNA position 2159, T replaced by A.
Protein change: p.Leu720Gln; replaces leucine 720 with glutamine.
Molecular consequence: missense variant.
Genome position (GRCh38, 1-based): chr2:29,251,150, A>T on the plus strand (T>A on the coding strand, the complement: ALK is on the minus strand). VCF-style: chr2-29251150-A-T. GRCh37 (hg19) VCF-style: chr2-29474016-A-T.
Other names: short protein forms L720Q.
Identifiers: ClinVar variation 1494251 (VCV001494251.8), dbSNP rs1336406369, ClinGen allele CA346476837.

ClinVar aggregate classification (germline): Uncertain significance (1 of 4 stars; one submission).

Conditions:
Neuroblastoma, susceptibility to, 3. Also called: ALK-Related Neuroblastic Tumor Susceptibility. Identifiers: Orphanet 635, MedGen C2751681, MONDO:0013083, OMIM 613014.

Submission:

Labcorp Genetics (formerly Invitae), Labcorp
Classification: Uncertain significance for Neuroblastoma, susceptibility to, 3. Last evaluated: 2024-02-17. Review status: criteria provided, single submitter. Criteria: Invitae Variant Classification Sherloc (09022015). Collection method: clinical testing. Allele origin: germline.
Comment: This sequence change replaces leucine, which is neutral and non-polar, with glutamine, which is neutral and polar, at codon 720 of the ALK protein (p.Leu720Gln). This variant is not present in population databases (gnomAD no frequency). This variant has not been reported in the literature in individuals affected with ALK-related conditions. ClinVar contains an entry for this variant (Variation ID: 1494251). An algorithm developed to predict the effect of missense changes on protein structure and function (PolyPhen-2) suggests that this variant is likely to be disruptive. In summary, the available evidence is currently insufficient to determine the role of this variant in disease. Therefore, it has been classified as a Variant of Uncertain Significance.